The following is an entry in ClinVar:

ClinVar aggregate classification (germline): Uncertain significance. Review status: criteria provided, multiple submitters, no conflicts (2 of 4 stars). 3 submissions from 3 submitters: Uncertain significance (2). 1 of the submissions does not count toward it. Last evaluated 2022-04-27.

Conditions:
X-linked Alport syndrome (ATS1). Also called: NEPHROPATHY AND DEAFNESS, X-LINKED; COL4A5-Related Nephropathy. Identifiers: Orphanet 63, Orphanet 88917, MedGen C4746986, MONDO:0010520, OMIM 301050.

Allele frequency attached by ClinVar (database versions not stated): TOPMed below 0.00001.
gnomAD v4.1: 2 of 1,211,316 alleles (0.00017%); highest among the groups gnomAD compares: Non-Finnish European, 0.00022%; no homozygotes.

Submissions (3):

Fulgent Genetics
Classification: Uncertain significance for X-linked Alport syndrome. Last evaluated: 2022-04-27. Review status: criteria provided, single submitter. Criteria: ACMG Guidelines, 2015. Collection method: clinical testing. Allele origin: unknown.

Labcorp Genetics (formerly Invitae), Labcorp
Classification: Uncertain significance. Last evaluated: 2021-09-01. Review status: criteria provided, single submitter. Criteria: Invitae Variant Classification Sherloc (09022015). Collection method: clinical testing. Allele origin: germline.
Comment: This sequence change replaces valine with leucine at codon 1652 of the COL4A5 protein (p.Val1652Leu). The valine residue is highly conserved and there is a small physicochemical difference between valine and leucine. This variant is not present in population databases (ExAC no frequency). This variant has not been reported in the literature in individuals affected with COL4A5-related conditions. Algorithms developed to predict the effect of missense changes on protein structure and function (SIFT, PolyPhen-2, Align-GVGD) all suggest that this variant is likely to be disruptive. In summary, the available evidence is currently insufficient to determine the role of this variant in disease. Therefore, it has been classified as a Variant of Uncertain Significance.

Natera, Inc.
Classification: Uncertain significance for X-linked Alport syndrome. Last evaluated: 2021-08-18. Review status: no assertion criteria provided. Collection method: clinical testing. Allele origin: germline. Not counted in ClinVar's aggregate classification.

NM_033380.3(COL4A5):c.4972G>C (p.Val1658Leu)

Gene: COL4A5 (collagen type IV alpha 5 chain; plus strand). Cytogenetic location: Xq22.3.
Variant type: single nucleotide variant.
Coding change: c.4972G>C on transcript NM_033380.3 (MANE Select); coding-DNA position 4972, G replaced by C.
Protein change: p.Val1658Leu; replaces valine 1658 with leucine.
Molecular consequence: missense variant.
Genome position (GRCh38, 1-based): chrX:108,695,417, G>C. VCF-style: chrX-108695417-G-C. GRCh37 (hg19) VCF-style: chrX-107938647-G-C.
Other names: c.4954G>C, p.Val1652Leu (NM_000495.5); short protein forms V1652L, V1658L.
Identifiers: ClinVar variation 862477 (VCV000862477.9), dbSNP rs2068718130, ClinGen allele CA414132967.
Genomic context (GRCh38, chrX:108,695,417, plus strand): 5'-TGTCATGGGAGGGGTACCTGTAACTACTATGCCAACTCCTACAGCTTTTGGCTGGCAACT[G>C]TAGATGTGTCAGACATGTTCAGGTAAAGTGCTTATAGCTTTAATTCAGGTCCAAAGCTTC-3'
Protein context (NP_203699.1, residues 1648-1668): ANSYSFWLAT[Val1658Leu]DVSDMFSKPQ